The following is an entry in ClinVar:

ClinVar aggregate classification (germline): Pathogenic (1 of 4 stars; one submission).

Conditions:
Osteogenesis imperfecta with normal sclerae, dominant form (OI4). Also called: Common Variable Osteogenesis Imperfecta with Normal Sclerae; OSTEOGENESIS IMPERFECTA, TYPE IV, WITH DENTINOGENESIS IMPERFECTA; Osteogenesis Imperfecta Type IV; OSTEOGENESIS IMPERFECTA WITH NORMAL SCLERAE; Osteogenesis imperfecta type 4. Identifiers: Orphanet 216820, Orphanet 666, MedGen C0268363, MONDO:0008148, OMIM 166220.

Submission:

Clinical Biomedical Laboratory, Shriners Hospital For Children - Canada
Classification: Pathogenic for Osteogenesis imperfecta with normal sclerae, dominant form. Last evaluated: 2025-07-16. Review status: criteria provided, single submitter. Criteria: ACMG Guidelines, 2015. Collection method: clinical testing. Allele origin: germline. Affected: yes.
Comment: This variant is predicted to substitute a glycine residue by an alanine residue in the triple helical domain of the collagen type I alpha 2 chain. Glycine substitutions in the triple helical domain of collagen cause disruption in the formation of the triple helix in the collagen type I molecule and are a typical cause of osteogenesis imperfecta. The variant is absent from the Genome Aggregation Database v2.1.1, indicating it is very rare. Prediction tools (REVEL: 0.97) suggest that the variant is deleterious to protein function.

NM_000089.4(COL1A2):c.1019G>C (p.Gly340Ala)

Gene: COL1A2 (collagen type I alpha 2 chain; plus strand). Cytogenetic location: 7q21.3.
Variant type: single nucleotide variant.
Coding change: c.1019G>C on transcript NM_000089.4 (MANE Select); coding-DNA position 1019, G replaced by C.
Protein change: p.Gly340Ala; replaces glycine 340 with alanine.
Molecular consequence: missense variant.
Genome position (GRCh38, 1-based): chr7:94,409,805, G>C. VCF-style: chr7-94409805-G-C. GRCh37 (hg19) VCF-style: chr7-94039117-G-C.
Other names: short protein forms G340A.
Identifiers: ClinVar variation 4075335 (VCV004075335.1).